The following is an entry in ClinVar:

ClinVar aggregate classification (germline): Likely pathogenic. Review status: criteria provided, multiple submitters, no conflicts (2 of 4 stars). 2 submissions from 2 submitters: Likely pathogenic (2). Last evaluated 2025-10-10.

Conditions:
Migraine, familial hemiplegic, 1. Also called: MIGRAINE, FAMILIAL HEMIPLEGIC 1, WITH PROGRESSIVE CEREBELLAR ATAXIA. Identifiers: Orphanet 569, MedGen C1832884, MONDO:0020756, OMIM 141500, MONDO:0007714.
Episodic ataxia type 2 (EA2). Also called: ATAXIA, EPISODIC, WITH NYSTAGMUS; ATAXIA, FAMILIAL PAROXYSMAL; CEREBELLAR ATAXIA, PAROXYSMAL, ACETAZOLAMIDE-RESPONSIVE; CEREBELLOPATHY, HEREDITARY PAROXYSMAL; ACETAZOLAMIDE-RESPONSIVE HEREDITARY PAROXYSMAL CEREBELLAR ATAXIA; EPISODIC ATAXIA, NYSTAGMUS-ASSOCIATED. Identifiers: Orphanet 97, MedGen C1720416, MONDO:0007163, OMIM 108500.
Developmental and epileptic encephalopathy, 42 (DEE42A). Also called: EPILEPTIC ENCEPHALOPATHY, EARLY INFANTILE, 42A; Epileptic encephalopathy, early infantile, 42; DEVELOPMENTAL AND EPILEPTIC ENCEPHALOPATHY 42A. Identifiers: MedGen C4310716, MONDO:0014917, OMIM 617106.

Submissions (2):

Institute of Human Genetics, University of Leipzig Medical Center
Classification: Likely pathogenic for Migraine, familial hemiplegic, 1. Last evaluated: 2025-10-10. Review status: criteria provided, single submitter. Criteria: ACMG Guidelines, 2015. Collection method: clinical testing. Allele origin: unknown. Inheritance: Autosomal dominant inheritance. Affected: yes.
Comment: Criteria applied: PM5_STR,PM2,PS4_SUP,PP2,PP3

Labcorp Genetics (formerly Invitae), Labcorp
Classification: Likely pathogenic for Developmental and epileptic encephalopathy, 42; Episodic ataxia type 2. Last evaluated: 2023-05-22. Review status: criteria provided, single submitter. Criteria: Invitae Variant Classification Sherloc (09022015). Collection method: clinical testing. Allele origin: germline.
Comment: This sequence change replaces tyrosine, which is neutral and polar, with histidine, which is basic and polar, at codon 62 of the CACNA1A protein (p.Tyr62His). This variant is not present in population databases (gnomAD no frequency). This variant has not been reported in the literature in individuals affected with CACNA1A-related conditions. ClinVar contains an entry for this variant (Variation ID: 1993612). Advanced modeling of protein sequence and biophysical properties (such as structural, functional, and spatial information, amino acid conservation, physicochemical variation, residue mobility, and thermodynamic stability) performed at Invitae indicates that this missense variant is expected to disrupt CACNA1A protein function. This variant disrupts the p.Tyr62 amino acid residue in CACNA1A. Other variant(s) that disrupt this residue have been determined to be pathogenic (PMID: 33425808). This suggests that this residue is clinically significant, and that variants that disrupt this residue are likely to be disease-causing. In summary, the currently available evidence indicates that the variant is pathogenic, but additional data are needed to prove that conclusively. Therefore, this variant has been classified as Likely Pathogenic.

Literature cited by the submitters: PubMed 33425808 (cited by Labcorp Genetics (formerly Invitae), Labcorp).

NM_001127222.2(CACNA1A):c.184T>C (p.Tyr62His)

Gene: CACNA1A (calcium voltage-gated channel subunit alpha1 A; minus strand). Cytogenetic location: 19p13.13.
Variant type: single nucleotide variant.
Coding change: c.184T>C on transcript NM_001127222.2 (MANE Select); coding-DNA position 184, T replaced by C.
Protein change: p.Tyr62His; replaces tyrosine 62 with histidine.
Molecular consequence: missense variant.
Genome position (GRCh38, 1-based): chr19:13,506,041, A>G on the plus strand (T>C on the coding strand, the complement: CACNA1A is on the minus strand). VCF-style: chr19-13506041-A-G. GRCh37 (hg19) VCF-style: chr19-13616855-A-G.
Other names: c.184T>C, p.Tyr62His (NM_000068.4, NM_001127221.2, NM_001174080.2 and 1 more transcripts); short protein forms Y62H.
Identifiers: ClinVar variation 1993612 (VCV001993612.5), dbSNP rs2513709042, ClinGen allele CA404971025.